The following is an entry in ClinVar:

NM_177438.3(DICER1):c.4215C>G (p.Asp1405Glu)

Gene: DICER1 (dicer 1, ribonuclease III; minus strand). Cytogenetic location: 14q32.13.
Variant type: single nucleotide variant.
Coding change: c.4215C>G on transcript NM_177438.3 (MANE Select); coding-DNA position 4215, C replaced by G.
Protein change: p.Asp1405Glu; replaces aspartic acid 1405 with glutamic acid.
Molecular consequence: missense variant.
Genome position (GRCh38, 1-based): chr14:95,096,705, G>C on the plus strand (C>G on the coding strand, the complement: DICER1 is on the minus strand). VCF-style: chr14-95096705-G-C. GRCh37 (hg19) VCF-style: chr14-95563042-G-C.
Other names: c.4215C>G, p.Asp1405Glu (NM_001195573.1, NM_001271282.3, NM_001291628.2 and 1 more transcripts); short protein forms D1405E.
Identifiers: ClinVar variation 479652 (VCV000479652.16), dbSNP rs1555367924, ClinGen allele CA390869870.

ClinVar aggregate classification (germline): Conflicting classifications of pathogenicity. Review status: criteria provided, conflicting classifications (1 of 4 stars). 2 submissions from 2 submitters: Uncertain significance (1); Likely benign (1). Last evaluated 2025-05-04.

Conditions:
DICER1-related tumor predisposition. Also called: DICER1-related pleuropulmonary blastoma cancer predisposition syndrome; DICER1 syndrome. Identifiers: Orphanet 284343, MedGen C3839822, MONDO:0100216.
Hereditary cancer-predisposing syndrome. Also called: Tumor predisposition; Neoplastic Syndromes, Hereditary; Hereditary Cancer Syndrome; Hereditary neoplastic syndrome. Identifiers: Orphanet 140162, MedGen C0027672, MeSH D009386, MONDO:0015356.

Allele frequency attached by ClinVar (database versions not stated): gnomAD exomes below 0.00001.
gnomAD v4.1: 1 of 1,607,460 alleles (0.000062%); highest among the groups gnomAD compares: Non-Finnish European, 0.000085%; no homozygotes.

Submissions (2):

Labcorp Genetics (formerly Invitae), Labcorp
Classification: Uncertain significance for DICER1-related tumor predisposition. Last evaluated: 2025-05-04. Review status: criteria provided, single submitter. Criteria: Invitae Variant Classification Sherloc (09022015). Collection method: clinical testing. Allele origin: germline.
Comment: This sequence change replaces aspartic acid, which is acidic and polar, with glutamic acid, which is acidic and polar, at codon 1405 of the DICER1 protein (p.Asp1405Glu). This variant is not present in population databases (gnomAD no frequency). This variant has not been reported in the literature in individuals affected with DICER1-related conditions. ClinVar contains an entry for this variant (Variation ID: 479652). Invitae Evidence Modeling of protein sequence and biophysical properties (such as structural, functional, and spatial information, amino acid conservation, physicochemical variation, residue mobility, and thermodynamic stability) indicates that this missense variant is not expected to disrupt DICER1 protein function with a negative predictive value of 95%. In summary, the available evidence is currently insufficient to determine the role of this variant in disease. Therefore, it has been classified as a Variant of Uncertain Significance.

Ambry Genetics
Classification: Likely benign for Hereditary cancer-predisposing syndrome. Last evaluated: 2024-10-15. Review status: criteria provided, single submitter. Criteria: Ambry Variant Classification Scheme 2023. Collection method: clinical testing. Allele origin: germline.